The following is an entry in ClinVar:

NM_000186.4(CFH):c.3493+5G>A

Gene: CFH (complement factor H; plus strand). Cytogenetic location: 1q31.3.
Variant type: single nucleotide variant.
Coding change: c.3493+5G>A on transcript NM_000186.4 (MANE Select); 5 bases into the intron after coding-DNA position 3493, G replaced by A.
Molecular consequence: intron variant.
Genome position (GRCh38, 1-based): chr1:196,746,004, G>A. VCF-style: chr1-196746004-G-A. GRCh37 (hg19) VCF-style: chr1-196715134-G-A.
Identifiers: ClinVar variation 4291588 (VCV004291588.2).

ClinVar aggregate classification (germline): Uncertain significance (1 of 4 stars; one submission).

Conditions:
Atypical hemolytic-uremic syndrome. Identifiers: Orphanet 2134, MedGen C2931788, MONDO:0016244.

Submission:

Genomenon, Inc
Classification: Uncertain significance for Atypical hemolytic-uremic syndrome. Last evaluated: 2026-09-17. Review status: criteria provided, single submitter. Criteria: Genomenon Sequence Variant Interpretation Standards - Updated. Collection method: curation. Allele origin: germline. Affected: yes.
Comment: CFH c.3493+5G>A is an intronic variant located in the donor splice region of intron 21. This variant has been observed in at least one proband affected with atypical hemolytic-uremic syndrome (PMID: 34258481; 40303201). It is absent or not present at a significant frequency in gnomAD. In silico models predict that this variant is possibly or probably damaging. In conclusion, we classify CFH c.3493+5G>A as a variant of uncertain significance.

Literature cited by the submitters: PubMed 34258481; PubMed 40303201.